The following is an entry in ClinVar:

ClinVar aggregate classification (germline): Uncertain significance. Review status: criteria provided, multiple submitters, no conflicts (2 of 4 stars). 2 submissions from 2 submitters: Uncertain significance (2). Last evaluated 2025-12-22.

Conditions:
Surfactant metabolism dysfunction, pulmonary, 5 (SMDP5). Also called: PULMONARY ALVEOLAR PROTEINOSIS 5; PAP DUE TO CSF2RB DEFICIENCY; CSF2RB DEFICIENCY. Identifiers: Orphanet 264675, MedGen C3280574, MONDO:0013712, OMIM 614370.

Allele frequency attached by ClinVar (database versions not stated): gnomAD 0.00006 and 0.00008; ESP Exome Variant Server 0.00008; ExAC 0.00027; 1000 Genomes Project 30x 0.00078; 1000 Genomes Project 0.00100.
gnomAD v4.1: 203 of 1,614,188 alleles (0.013%); highest among the groups gnomAD compares: South Asian, 0.097%; 3 homozygotes.

Submissions (2):

Labcorp Genetics (formerly Invitae), Labcorp
Classification: Uncertain significance. Last evaluated: 2025-12-22. Review status: criteria provided, single submitter. Criteria: Invitae Variant Classification Sherloc (09022015). Collection method: clinical testing. Allele origin: germline.
Comment: This sequence change replaces arginine, which is basic and polar, with cysteine, which is neutral and slightly polar, at codon 461 of the CSF2RB protein (p.Arg461Cys). This variant is present in population databases (rs371045078, gnomAD 0.09%), and has an allele count higher than expected for a pathogenic variant. This missense change has been observed in individual(s) with leukemia (PMID: 27118405). ClinVar contains an entry for this variant (Variation ID: 1390682). Invitae Evidence Modeling of protein sequence and biophysical properties (such as structural, functional, and spatial information, amino acid conservation, physicochemical variation, residue mobility, and thermodynamic stability) indicates that this missense variant is expected to disrupt CSF2RB protein function with a positive predictive value of 80%. Experimental studies have shown that this missense change affects CSF2RB function (PMID: 27118405). In summary, the available evidence is currently insufficient to determine the role of this variant in disease. Therefore, it has been classified as a Variant of Uncertain Significance.

Fulgent Genetics
Classification: Uncertain significance for Surfactant metabolism dysfunction, pulmonary, 5. Last evaluated: 2022-04-26. Review status: criteria provided, single submitter. Criteria: ACMG Guidelines, 2015. Collection method: clinical testing. Allele origin: unknown.

Literature cited by the submitters: PubMed 27118405 (cited by Labcorp Genetics (formerly Invitae), Labcorp).

NM_000395.3(CSF2RB):c.1381C>T (p.Arg461Cys)

Gene: CSF2RB (colony stimulating factor 2 receptor subunit beta; plus strand). Cytogenetic location: 22q12.3.
Variant type: single nucleotide variant.
Coding change: c.1381C>T on transcript NM_000395.3 (MANE Select); coding-DNA position 1381, C replaced by T.
Protein change: p.Arg461Cys; replaces arginine 461 with cysteine.
Molecular consequence: missense variant.
Genome position (GRCh38, 1-based): chr22:36,935,416, C>T. VCF-style: chr22-36935416-C-T. GRCh37 (hg19) VCF-style: chr22-37331458-C-T.
Other names: short protein forms R461C.
Identifiers: ClinVar variation 1390682 (VCV001390682.7), dbSNP rs371045078, ClinGen allele CA10213813.